The following is an entry in ClinVar:

NM_016306.6(DNAJB11):c.456+2T>A

Gene: DNAJB11 (DnaJ heat shock protein family (Hsp40) member B11; plus strand). Cytogenetic location: 3q27.3.
Variant type: single nucleotide variant.
Coding change: c.456+2T>A on transcript NM_016306.6 (MANE Select); the canonical splice donor site of the intron after coding-DNA position 456, T replaced by A.
Molecular consequence: splice donor variant. On other transcripts: intron variant (1).
Genome position (GRCh38, 1-based): chr3:186,577,802, T>A. VCF-style: chr3-186577802-T-A. GRCh37 (hg19) VCF-style: chr3-186295591-T-A.
Other names: c.323+1865T>A (NM_001378451.1).
Identifiers: ClinVar variation 3721381 (VCV003721381.2).

ClinVar aggregate classification (germline): Likely pathogenic (1 of 4 stars; one submission).

gnomAD v4.1: 1 of 1,598,760 alleles (0.000063%); highest among the groups gnomAD compares: Admixed American, 0.0018%; no homozygotes.

Submission:

Labcorp Genetics (formerly Invitae), Labcorp
Classification: Likely pathogenic. Last evaluated: 2025-01-15. Review status: criteria provided, single submitter. Criteria: Invitae Variant Classification Sherloc (09022015). Collection method: clinical testing. Allele origin: germline.
Comment: This sequence change affects a donor splice site in intron 4 of the DNAJB11 gene. It is expected to disrupt RNA splicing. Variants that disrupt the donor or acceptor splice site typically lead to a loss of protein function (PMID: 16199547), and loss-of-function variants in DNAJB11 are known to be pathogenic (PMID: 32631624). This variant is not present in population databases (gnomAD no frequency). This variant has not been reported in the literature in individuals affected with DNAJB11-related conditions. Algorithms developed to predict the effect of sequence changes on RNA splicing suggest that this variant may disrupt the consensus splice site. In summary, the currently available evidence indicates that the variant is pathogenic, but additional data are needed to prove that conclusively. Therefore, this variant has been classified as Likely Pathogenic.

Literature cited by the submitters: PubMed 16199547; PubMed 32631624.